The following is an entry in ClinVar:

ClinVar aggregate classification (germline): Uncertain significance. Review status: criteria provided, multiple submitters, no conflicts (2 of 4 stars). 2 submissions from 2 submitters: Uncertain significance (2). Last evaluated 2023-05-12.

Conditions:
Glycogen storage disease type III (GSD3). Also called: FORBES DISEASE; Cori disease. Identifiers: Orphanet 366, MedGen C0017922, MONDO:0009291, OMIM 232400.

Allele frequency attached by ClinVar (database versions not stated): gnomAD exomes 0.00001; gnomAD 0.00003; ExAC 0.00007; ESP Exome Variant Server 0.00008; 1000 Genomes Project 0.00020; 1000 Genomes Project 30x 0.00031.
gnomAD v4.1: 18 of 1,614,084 alleles (0.0011%); highest among the groups gnomAD compares: East Asian, 0.025%; 1 homozygote.

Submissions (2):

Mayo Clinic Laboratories, Mayo Clinic
Classification: Uncertain significance. Last evaluated: 2023-05-12. Review status: criteria provided, single submitter. Criteria: ACMG Guidelines, 2015. Collection method: clinical testing. Allele origin: germline. Observed: 1 variant allele.

Labcorp Genetics (formerly Invitae), Labcorp
Classification: Uncertain significance for Glycogen storage disease type III. Last evaluated: 2022-05-05. Review status: criteria provided, single submitter. Criteria: Invitae Variant Classification Sherloc (09022015). Collection method: clinical testing. Allele origin: germline.
Comment: This sequence change replaces arginine, which is basic and polar, with cysteine, which is neutral and slightly polar, at codon 1359 of the AGL protein (p.Arg1359Cys). This variant is present in population databases (rs146257941, gnomAD 0.06%). This variant has not been reported in the literature in individuals affected with AGL-related conditions. Algorithms developed to predict the effect of missense changes on protein structure and function (SIFT, PolyPhen-2, Align-GVGD) all suggest that this variant is likely to be disruptive. In summary, the available evidence is currently insufficient to determine the role of this variant in disease. Therefore, it has been classified as a Variant of Uncertain Significance.

NM_000642.3(AGL):c.4075C>T (p.Arg1359Cys)

Gene: AGL (amylo-alpha-1,6-glucosidase and 4-alpha-glucanotransferase; plus strand). Cytogenetic location: 1p21.2.
Variant type: single nucleotide variant.
Coding change: c.4075C>T on transcript NM_000642.3 (MANE Select); coding-DNA position 4075, C replaced by T.
Protein change: p.Arg1359Cys; replaces arginine 1359 with cysteine.
Molecular consequence: missense variant.
Genome position (GRCh38, 1-based): chr1:99,913,652, C>T. VCF-style: chr1-99913652-C-T. GRCh37 (hg19) VCF-style: chr1-100379208-C-T.
Other names: p.Arg1359Cys; c.4075C>T, p.Arg1359Cys (NM_000028.3, NM_000643.3, NM_000644.3 and 1 more transcripts); c.4027C>T, p.Arg1343Cys (NM_000646.3); c.4054C>T, p.Arg1352Cys (NM_001425326.1); c.3874C>T, p.Arg1292Cys (NM_001425327.1); c.3871C>T, p.Arg1291Cys (NM_001425328.1); c.3736C>T, p.Arg1246Cys (NM_001425329.1); c.3697C>T, p.Arg1233Cys (NM_001425332.1); short protein forms R1359C, R1343C, R1233C, R1246C, R1291C, R1292C, R1352C.
Identifiers: ClinVar variation 2177399 (VCV002177399.2), dbSNP rs146257941, ClinGen allele CA967297.
Genomic context (GRCh38, chr1:99,913,652, plus strand): 5'-TTTCATGTTTCCGAAGACCCTTCAGATTTAAATGAAAAGCATCCAAATCTGGTTCACAAA[C>T]GTGGCATATACAAAGATAGTTATGGAGCTTCAAGTCCTTGGTGTGACTATCAGCTCAGGC-3'
Protein context (NP_000633.2, residues 1349-1369): NEKHPNLVHK[Arg1359Cys]GIYKDSYGAS